The following is an entry in ClinVar:

ClinVar aggregate classification (germline): Uncertain significance (1 of 4 stars; one submission).

Submission:

Labcorp Genetics (formerly Invitae), Labcorp
Classification: Uncertain significance. Last evaluated: 2025-01-20. Review status: criteria provided, single submitter. Criteria: Invitae Variant Classification Sherloc (09022015). Collection method: clinical testing. Allele origin: germline.
Comment: This sequence change replaces leucine, which is neutral and non-polar, with valine, which is neutral and non-polar, at codon 778 of the RHBDF2 protein (p.Leu778Val). This variant is not present in population databases (gnomAD no frequency). This variant has not been reported in the literature in individuals affected with RHBDF2-related conditions. An algorithm developed to predict the effect of missense changes on protein structure and function (PolyPhen-2) suggests that this variant is likely to be disruptive. In summary, the available evidence is currently insufficient to determine the role of this variant in disease. Therefore, it has been classified as a Variant of Uncertain Significance.

NM_001005498.4(RHBDF2):c.2245C>G (p.Leu749Val)

Gene: RHBDF2 (rhomboid 5 homolog 2; minus strand). Cytogenetic location: 17q25.1.
Variant type: single nucleotide variant.
Coding change: c.2245C>G on transcript NM_001005498.4 (MANE Select); coding-DNA position 2245, C replaced by G.
Protein change: p.Leu749Val; replaces leucine 749 with valine.
Molecular consequence: missense variant. On other transcripts: non-coding transcript variant (3).
Genome position (GRCh38, 1-based): chr17:76,471,872, G>C on the plus strand (C>G on the coding strand, the complement: RHBDF2 is on the minus strand). VCF-style: chr17-76471872-G-C. GRCh37 (hg19) VCF-style: chr17-74467954-G-C.
Other names: c.2245C>G, p.Leu749Val (NM_001376228.1, NM_001376229.1, NM_001376230.1); c.2332C>G, p.Leu778Val (NM_024599.5); short protein forms L749V, L778V.
Identifiers: ClinVar variation 3643685 (VCV003643685.2).